The following is an entry in ClinVar:

ClinVar aggregate classification (germline): Uncertain significance. Review status: criteria provided, multiple submitters, no conflicts (2 of 4 stars). 2 submissions from 2 submitters: Uncertain significance (2). Last evaluated 2024-11-12.

Conditions:
Hereditary cancer-predisposing syndrome. Also called: Neoplastic Syndromes, Hereditary; Hereditary Cancer Syndrome; Tumor predisposition; Hereditary neoplastic syndrome. Identifiers: Orphanet 140162, MedGen C0027672, MeSH D009386, MONDO:0015356.

gnomAD v4.1: 1 of 1,612,864 alleles (0.000062%); highest among the groups gnomAD compares: South Asian, 0.0011%; no homozygotes.

Submissions (2):

Ambry Genetics
Classification: Uncertain significance for Hereditary cancer-predisposing syndrome. Last evaluated: 2024-11-12. Review status: criteria provided, single submitter. Criteria: Ambry Variant Classification Scheme 2023. Collection method: clinical testing. Allele origin: germline.
Comment: The p.I153V variant (also known as c.457A>G), located in coding exon 6 of the POLE gene, results from an A to G substitution at nucleotide position 457. The isoleucine at codon 153 is replaced by valine, an amino acid with highly similar properties. This amino acid position is conserved. In addition, this alteration is predicted to be tolerated by in silico analysis. Based on the available evidence, the clinical significance of this variant remains unclear.

Labcorp Genetics (formerly Invitae), Labcorp
Classification: Uncertain significance. Last evaluated: 2023-09-05. Review status: criteria provided, single submitter. Criteria: Invitae Variant Classification Sherloc (09022015). Collection method: clinical testing. Allele origin: germline.
Comment: In summary, the available evidence is currently insufficient to determine the role of this variant in disease. Therefore, it has been classified as a Variant of Uncertain Significance. Advanced modeling of protein sequence and biophysical properties (such as structural, functional, and spatial information, amino acid conservation, physicochemical variation, residue mobility, and thermodynamic stability) performed at Invitae indicates that this missense variant is not expected to disrupt POLE protein function. This variant has not been reported in the literature in individuals affected with POLE-related conditions. This variant is present in population databases (no rsID available, gnomAD 0.003%). This sequence change replaces isoleucine, which is neutral and non-polar, with valine, which is neutral and non-polar, at codon 153 of the POLE protein (p.Ile153Val).

NM_006231.4(POLE):c.457A>G (p.Ile153Val)

Gene: POLE (DNA polymerase epsilon, catalytic subunit; minus strand). Cytogenetic location: 12q24.33.
Variant type: single nucleotide variant.
Coding change: c.457A>G on transcript NM_006231.4 (MANE Select); coding-DNA position 457, A replaced by G.
Protein change: p.Ile153Val; replaces isoleucine 153 with valine.
Molecular consequence: missense variant.
Genome position (GRCh38, 1-based): chr12:132,679,618, T>C on the plus strand (A>G on the coding strand, the complement: POLE is on the minus strand). VCF-style: chr12-132679618-T-C. GRCh37 (hg19) VCF-style: chr12-133256204-T-C.
Other names: c.457A>G (NM_006231.2); short protein forms I153V.
Identifiers: ClinVar variation 2852569 (VCV002852569.4), dbSNP rs902430793, ClinGen allele CA246301993.
Genomic context (GRCh38, chr12:132,679,618, plus strand): 5'-CAGGGGAGATCTCCTTCCTCACTTTGACAAGATCCTCCACAGTGTGGAAGGACAGCCTGA[T>C]GTAATTTCGCTTCAAACCCACCAAGTGATTTGGCTATAATGCGAAGAGATCACGCTCATT-3'
Protein context (NP_006222.2, residues 143-163): NHLVGLKRNY[Ile153Val]RLSFHTVEDL